The following is an entry in ClinVar:

NM_001563.4(IMPG1):c.1126T>G (p.Phe376Val)

Gene: IMPG1 (interphotoreceptor matrix proteoglycan 1; minus strand). Cytogenetic location: 6q14.1.
Variant type: single nucleotide variant.
Coding change: c.1126T>G on transcript NM_001563.4 (MANE Select); coding-DNA position 1126, T replaced by G.
Protein change: p.Phe376Val; replaces phenylalanine 376 with valine.
Molecular consequence: missense variant.
Genome position (GRCh38, 1-based): chr6:76,005,296, A>C on the plus strand (T>G on the coding strand, the complement: IMPG1 is on the minus strand). VCF-style: chr6-76005296-A-C. GRCh37 (hg19) VCF-style: chr6-76715013-A-C.
Other names: c.892T>G, p.Phe298Val (NM_001282368.2); short protein forms F376V, F298V.
Identifiers: ClinVar variation 1009660 (VCV001009660.8), dbSNP rs1783074551, ClinGen allele CA364772986.

ClinVar aggregate classification (germline): Uncertain significance (1 of 4 stars; one submission).

Submission:

Labcorp Genetics (formerly Invitae), Labcorp
Classification: Uncertain significance. Last evaluated: 2024-11-18. Review status: criteria provided, single submitter. Criteria: Invitae Variant Classification Sherloc (09022015). Collection method: clinical testing. Allele origin: germline.
Comment: This sequence change replaces phenylalanine, which is neutral and non-polar, with valine, which is neutral and non-polar, at codon 376 of the IMPG1 protein (p.Phe376Val). This variant is not present in population databases (gnomAD no frequency). This variant has not been reported in the literature in individuals affected with IMPG1-related conditions. ClinVar contains an entry for this variant (Variation ID: 1009660). An algorithm developed to predict the effect of missense changes on protein structure and function (PolyPhen-2) suggests that this variant is likely to be disruptive. Algorithms developed to predict the effect of sequence changes on RNA splicing suggest that this variant may create or strengthen a splice site. In summary, the available evidence is currently insufficient to determine the role of this variant in disease. Therefore, it has been classified as a Variant of Uncertain Significance.